The following is an entry in ClinVar:

NM_024422.6(DSC2):c.-4C>T

Genes: DSC2 (desmocollin 2; minus strand), DSCAS (DSC1/DSC2 antisense RNA; plus strand). Cytogenetic location: 18q12.1.
Variant type: single nucleotide variant.
Coding change: c.-4C>T on transcript NM_024422.6 (MANE Select); 4 bases upstream of the start codon, C replaced by T.
Molecular consequence: 5 prime UTR variant.
Genome position (GRCh38, 1-based): chr18:31,101,975, G>A on the plus strand (C>T on the coding strand, the complement: DSC2 is on the minus strand). VCF-style: chr18-31101975-G-A. GRCh37 (hg19) VCF-style: chr18-28681938-G-A.
Other names: c.-4C>T (NM_004949.5).
Identifiers: ClinVar variation 2775201 (VCV002775201.2), dbSNP rs2510964094, ClinGen allele CA2641390693.

ClinVar aggregate classification (germline): Uncertain significance (1 of 4 stars; one submission).

Conditions:
Cardiomyopathy (CMYO). Also called: Cardiomyopathies. Identifiers: Orphanet 167848, MedGen C0878544, MONDO:0004994, HP:0001638. Inheritance: Various modes of inheritance.

Allele frequency attached by ClinVar (database versions not stated): gnomAD exomes below 0.00001.
gnomAD v4.1: 1 of 1,522,694 alleles (0.000066%); highest among the groups gnomAD compares: Non-Finnish European, 0.000088%; no homozygotes.

Submission:

Color Diagnostics, LLC DBA Color Health
Classification: Uncertain significance for Cardiomyopathy. Last evaluated: 2021-09-20. Review status: criteria provided, single submitter. Criteria: ACMG Guidelines, 2015. Collection method: clinical testing. Allele origin: germline.
Comment: This variant changes 1 nucleotide in the 5' untranslated region of the DSC2 gene. To our knowledge, functional studies have not been reported for this variant. This variant has been reported in an individual affected with arrhythmogenic cardiomyopathy (PMID: 26310507). This variant has not been identified in the general population by the Genome Aggregation Database (gnomAD). The available evidence is insufficient to determine the role of this variant in disease conclusively. Therefore, this variant is classified as a Variant of Uncertain Significance.

Literature cited by the submitters: PubMed 26310507.